The following is an entry in ClinVar:

NM_003321.5(TUFM):c.64G>A (p.Gly22Ser)

Gene: TUFM (Tu translation elongation factor, mitochondrial; minus strand). Cytogenetic location: 16p11.2.
Variant type: single nucleotide variant.
Coding change: c.64G>A on transcript NM_003321.5 (MANE Select); coding-DNA position 64, G replaced by A.
Protein change: p.Gly22Ser; replaces glycine 22 with serine.
Molecular consequence: missense variant.
Genome position (GRCh38, 1-based): chr16:28,846,095, C>T on the plus strand (G>A on the coding strand, the complement: TUFM is on the minus strand). VCF-style: chr16-28846095-C-T. GRCh37 (hg19) VCF-style: chr16-28857416-C-T.
Other names: c.64G>A (NM_003321.4); c.64G>A, p.Gly22Ser (NM_001365360.2); short protein forms G22S.
Identifiers: ClinVar variation 1441233 (VCV001441233.6), dbSNP rs116562140, ClinGen allele CA7985756.

ClinVar aggregate classification (germline): Uncertain significance. Review status: criteria provided, multiple submitters, no conflicts (2 of 4 stars). 3 submissions from 3 submitters: Uncertain significance (2). 1 of the submissions does not count toward it. Last evaluated 2026-01-07.

Conditions:
TUFM-related disorder. Also called: TUFM-related condition.

Allele frequency attached by ClinVar (database versions not stated): 1000 Genomes Project 0.00100; gnomAD exomes 0.00012; gnomAD 0.00051; TOPMed 0.00059; 1000 Genomes Project 30x 0.00078; ESP Exome Variant Server 0.00054; ExAC 0.00016.
gnomAD v4.1: 160 of 1,613,526 alleles (0.0099%); highest among the groups gnomAD compares: African/African-American, 0.21%; no homozygotes.

Submissions (3):

GeneDx
Classification: Uncertain significance. Last evaluated: 2026-01-07. Review status: criteria provided, single submitter. Criteria: GeneDx Variant Classification Process June 2021. Collection method: clinical testing. Allele origin: germline. Affected: yes.
Comment: In silico analysis suggests that this missense variant does not alter protein structure/function; Has not been previously published as pathogenic or benign to our knowledge

Labcorp Genetics (formerly Invitae), Labcorp
Classification: Uncertain significance. Last evaluated: 2022-09-07. Review status: criteria provided, single submitter. Criteria: Invitae Variant Classification Sherloc (09022015). Collection method: clinical testing. Allele origin: germline.
Comment: This sequence change replaces glycine, which is neutral and non-polar, with serine, which is neutral and polar, at codon 22 of the TUFM protein (p.Gly22Ser). This variant is present in population databases (rs116562140, gnomAD 0.2%). This variant has not been reported in the literature in individuals affected with TUFM-related conditions. ClinVar contains an entry for this variant (Variation ID: 1441233). Algorithms developed to predict the effect of missense changes on protein structure and function output the following: SIFT: "Tolerated"; PolyPhen-2: "Benign"; Align-GVGD: "Class C0". The serine amino acid residue is found in multiple mammalian species, which suggests that this missense change does not adversely affect protein function. Algorithms developed to predict the effect of sequence changes on RNA splicing suggest that this variant may create or strengthen a splice site. In summary, the available evidence is currently insufficient to determine the role of this variant in disease. Therefore, it has been classified as a Variant of Uncertain Significance.

PreventionGenetics, part of Exact Sciences
Classification: Likely benign for TUFM-related condition. Last evaluated: 2023-03-30. Review status: no assertion criteria provided. Collection method: clinical testing. Allele origin: germline. Not counted in ClinVar's aggregate classification.
Comment: This variant is classified as likely benign based on ACMG/AMP sequence variant interpretation guidelines (Richards et al. 2015 PMID: 25741868, with internal and published modifications).